The following is an entry in ClinVar:

ClinVar aggregate classification (germline): Uncertain significance. Review status: criteria provided, multiple submitters, no conflicts (2 of 4 stars). 2 submissions from 2 submitters: Uncertain significance (2). Last evaluated 2024-12-12.

Conditions:
Chédiak-Higashi syndrome (CHS). Also called: Chediak-Higashi Syndrome. Identifiers: Orphanet 167, MedGen C0007965, MONDO:0008963, OMIM 214500.
Inborn genetic diseases. Identifiers: MedGen C0950123, MeSH D030342.

Allele frequency attached by ClinVar (database versions not stated): ESP Exome Variant Server 0.00008.

Submissions (2):

Ambry Genetics
Classification: Uncertain significance for Inborn genetic diseases. Last evaluated: 2024-12-12. Review status: criteria provided, single submitter. Criteria: Ambry Variant Classification Scheme 2023. Collection method: clinical testing. Allele origin: germline.

Labcorp Genetics (formerly Invitae), Labcorp
Classification: Uncertain significance for Chédiak-Higashi syndrome. Last evaluated: 2021-09-01. Review status: criteria provided, single submitter. Criteria: Invitae Variant Classification Sherloc (09022015). Collection method: clinical testing. Allele origin: germline.
Comment: This sequence change replaces methionine with leucine at codon 1566 of the LYST protein (p.Met1566Leu). The methionine residue is weakly conserved and there is a small physicochemical difference between methionine and leucine. This variant is present in population databases (rs199814905, ExAC 0.02%). This variant has not been reported in the literature in individuals affected with LYST-related conditions. Algorithms developed to predict the effect of missense changes on protein structure and function output the following: SIFT: "Tolerated"; PolyPhen-2: "Benign"; Align-GVGD: "Class C0". The leucine amino acid residue is found in multiple mammalian species, which suggests that this missense change does not adversely affect protein function. In summary, the available evidence is currently insufficient to determine the role of this variant in disease. Therefore, it has been classified as a Variant of Uncertain Significance.

NM_000081.4(LYST):c.4696A>T (p.Met1566Leu)

Gene: LYST (lysosomal trafficking regulator; minus strand). Cytogenetic location: 1q42.3.
Variant type: single nucleotide variant.
Coding change: c.4696A>T on transcript NM_000081.4 (MANE Select); coding-DNA position 4696, A replaced by T.
Protein change: p.Met1566Leu; replaces methionine 1566 with leucine.
Molecular consequence: missense variant.
Genome position (GRCh38, 1-based): chr1:235,787,366, T>A on the plus strand (A>T on the coding strand, the complement: LYST is on the minus strand). VCF-style: chr1-235787366-T-A. GRCh37 (hg19) VCF-style: chr1-235950666-T-A.
Other names: c.4696A>T, p.Met1566Leu (NM_001301365.1); c.4696A>T (NM_000081.2); short protein forms M1566L.
Identifiers: ClinVar variation 1042721 (VCV001042721.7), dbSNP rs199814905, ClinGen allele CA1466768.